The following is an entry in ClinVar:

NM_021067.5(GINS1):c.372T>C (p.Tyr124=)

Gene: GINS1 (GINS complex subunit 1; plus strand). Cytogenetic location: 20p11.21.
Variant type: single nucleotide variant.
Coding change: c.372T>C on transcript NM_021067.5 (MANE Select); coding-DNA position 372, T replaced by C.
Protein change: p.Tyr124=; no amino-acid change (tyrosine 124 retained).
Molecular consequence: synonymous variant. On other transcripts: non-coding transcript variant (1), intron variant (1).
Genome position (GRCh38, 1-based): chr20:25,425,252, T>C. VCF-style: chr20-25425252-T-C. GRCh37 (hg19) VCF-style: chr20-25405888-T-C.
Other names: c.117T>C, p.Tyr39= (NM_001410831.1); c.330+7057T>C (NM_001410830.1).
Identifiers: ClinVar variation 2652249 (VCV002652249.24), dbSNP rs2516038470, ClinGen allele CA509888602.
Genomic context (GRCh38, chr20:25,425,252, plus strand): 5'-ATCATCTCTATGTTTGCAGATGGAGTGGTTTAATAATTATAAAAGATCTCTTGCTACTTA[T>C]ATGAGGTCACTGGGAGGAGATGAAGGTTTGGACATTACACAGGATATGAAACCACCAAAA-3'
Protein context (NP_066545.3, residues 114-134): FNNYKRSLAT[Tyr124=]MRSLGGDEGL

ClinVar aggregate classification (germline): Likely benign (1 of 4 stars; one submission).

Allele frequency attached by ClinVar (database versions not stated): gnomAD exomes below 0.00001.
gnomAD v4.1: 2 of 1,559,450 alleles (0.00013%); highest among the groups gnomAD compares: Non-Finnish European, 0.00018%; no homozygotes.

Submission:

CeGaT Center for Human Genetics Tuebingen
Classification: Likely benign. Last evaluated: 2023-02-01. Review status: criteria provided, single submitter. Criteria: CeGaT Center For Human Genetics Tuebingen Variant Classification Criteria Version 2. Collection method: clinical testing. Allele origin: germline. Affected: yes. Observed: 1 variant allele.
Comment: GINS1: PM2:Supporting, BP4, BP7